The following is an entry in ClinVar:

NM_153704.6(TMEM67):c.714+1G>C

Gene: TMEM67 (transmembrane protein 67; plus strand). Cytogenetic location: 8q22.1.
Variant type: single nucleotide variant.
Coding change: c.714+1G>C on transcript NM_153704.6 (MANE Select); the canonical splice donor site of the intron after coding-DNA position 714, G replaced by C.
Molecular consequence: splice donor variant.
Genome position (GRCh38, 1-based): chr8:93,772,652, G>C. VCF-style: chr8-93772652-G-C. GRCh37 (hg19) VCF-style: chr8-94784880-G-C.
Other names: c.471+1G>C (NM_001142301.1).
Identifiers: ClinVar variation 4793700 (VCV004793700.1).

ClinVar aggregate classification (germline): Likely pathogenic (1 of 4 stars; one submission).

Conditions:
Meckel-Gruber syndrome. Also called: GRUBER SYNDROME; DYSENCEPHALIA SPLANCHNOCYSTICA; Dysencephalia splachnocystica. Identifiers: Orphanet 564, MedGen C0265215, MONDO:0018921.
Joubert syndrome. Also called: Familial aplasia of the vermis; JOUBERT-BOLTSHAUSER SYNDROME; CEREBELLOPARENCHYMAL DISORDER IV. Identifiers: Orphanet 475, MedGen C5979921, MONDO:0018772.

Submission:

Labcorp Genetics (formerly Invitae), Labcorp
Classification: Likely pathogenic for Joubert syndrome; Meckel-Gruber syndrome. Last evaluated: 2025-12-11. Review status: criteria provided, single submitter. Criteria: Invitae Variant Classification Sherloc (09022015). Collection method: clinical testing. Allele origin: germline.
Comment: This sequence change affects a donor splice site in intron 7 of the TMEM67 gene. It is expected to disrupt RNA splicing. Variants that disrupt the donor or acceptor splice site typically lead to a loss of protein function (PMID: 16199547), and loss-of-function variants in TMEM67 are known to be pathogenic (PMID: 20232449, 23559409). This variant is not present in population databases (gnomAD no frequency). This variant has not been reported in the literature in individuals affected with TMEM67-related conditions. Algorithms developed to predict the effect of sequence changes on RNA splicing suggest that this variant may disrupt the consensus splice site. In summary, the currently available evidence indicates that the variant is pathogenic, but additional data are needed to prove that conclusively. Therefore, this variant has been classified as Likely Pathogenic.

Literature cited by the submitters: PubMed 16199547; PubMed 20232449; PubMed 23559409.